The following is an entry in ClinVar:

ClinVar aggregate classification (germline): Likely pathogenic (0 of 4 stars; one submission).

Conditions:
Angelman syndrome (AS). Also called: HAPPY PUPPET SYNDROME. Identifiers: Orphanet 72, MedGen C0162635, MONDO:0007113, OMIM 105830. Disease mechanism: loss of function. Inheritance: AS is caused by disruption of maternally imprinted UBE3A located within the 15q11.2-q13 Angelman syndrome/Prader-Willi syndrome (AS/PWS) region., imprinting disorder.

Submission:

Baylor Genetics
Classification: Likely pathogenic for Angelman Syndrome. Last evaluated: 2014-02-14. Review status: no assertion criteria provided. Collection method: clinical testing. Allele origin: maternal. Affected: yes. Observed: 1 variant allele. Study: UBE3A Mutation Study.
Comment: Data collected from clinical UBE3A sequence analysis results

Literature cited by the submitters: PubMed 25212744.

NM_130839.5(UBE3A):c.1757T>A (p.Met586Lys)

Genes: SNHG14 (small nucleolar RNA host gene 14; plus strand), UBE3A (ubiquitin protein ligase E3A; minus strand). Cytogenetic location: 15q11.2.
Variant type: single nucleotide variant.
Coding change: c.1757T>A on transcript NM_130839.5 (MANE Select); coding-DNA position 1757, T replaced by A.
Protein change: p.Met586Lys; replaces methionine 586 with lysine.
Molecular consequence: missense variant. On other transcripts: non-coding transcript variant (1).
Genome position (GRCh38, 1-based): chr15:25,356,893, A>T on the plus strand (T>A on the coding strand, the complement: UBE3A is on the minus strand). VCF-style: chr15-25356893-A-T. GRCh37 (hg19) VCF-style: chr15-25602040-A-T.
Other names: c.1766T>A, p.Met589Lys (NM_000462.5); c.1757T>A, p.Met586Lys (NM_001354505.1, NM_001354538.2, NM_001354545.2); c.1697T>A, p.Met566Lys (NM_001354506.2, NM_001354507.2, NM_001354508.2 and 17 more transcripts); c.1580T>A, p.Met527Lys (NM_001354546.2); c.506T>A, p.Met169Lys (NM_001354550.2); c.446T>A, p.Met149Lys (NM_001354551.2); short protein forms M566K, M527K, M589K, M169K, M149K, M586K.
Identifiers: ClinVar variation 155998 (VCV000155998.1), dbSNP rs587781244, ClinGen allele CA333402.